The following is an entry in ClinVar:

NM_007215.4(POLG2):c.991G>A (p.Val331Met)

Genes: MILR1 (mast cell immunoglobulin like receptor 1; plus strand), POLG2 (DNA polymerase gamma 2, accessory subunit; minus strand). Cytogenetic location: 17q23.3.
Variant type: single nucleotide variant.
Coding change: c.991G>A on transcript NM_007215.4 (MANE Select); coding-DNA position 991, G replaced by A.
Protein change: p.Val331Met; replaces valine 331 with methionine.
Molecular consequence: missense variant.
Genome position (GRCh38, 1-based): chr17:64,485,847, C>T on the plus strand (G>A on the coding strand, the complement: POLG2 is on the minus strand). VCF-style: chr17-64485847-C-T. GRCh37 (hg19) VCF-style: chr17-62481964-C-T.
Other names: short protein forms V331M.
Identifiers: ClinVar variation 3371027 (VCV003371027.1).

ClinVar aggregate classification (germline): Uncertain significance (1 of 4 stars; one submission).

gnomAD v4.1: 6 of 1,614,108 alleles (0.00037%); highest among the groups gnomAD compares: African/African-American, 0.0013%; no homozygotes.

Submission:

GeneDx
Classification: Uncertain significance. Last evaluated: 2024-03-18. Review status: criteria provided, single submitter. Criteria: GeneDx Variant Classification Process June 2021. Collection method: clinical testing. Allele origin: germline. Affected: yes.
Comment: Not observed at significant frequency in large population cohorts (gnomAD); In silico analysis supports that this missense variant does not alter protein structure/function; Has not been previously published as pathogenic or benign to our knowledge